The following is an entry in ClinVar:

ClinVar aggregate classification (germline): Uncertain significance. Review status: criteria provided, multiple submitters, no conflicts (2 of 4 stars). 2 submissions from 2 submitters: Uncertain significance (2). Last evaluated 2022-08-01.

Conditions:
Developmental and epileptic encephalopathy, 34 (DEE34). Also called: Early infantile epileptic encephalopathy 34; SLC12A5-Related Epilepsy of Infancy with Migrating Focal Seizures. Identifiers: Orphanet 293181, MedGen C4225257, MONDO:0014718, OMIM 616645.

gnomAD v4.1: 1 of 1,611,352 alleles (0.000062%); highest among the groups gnomAD compares: Non-Finnish European, 0.000085%; no homozygotes.

Submissions (2):

Labcorp Genetics (formerly Invitae), Labcorp
Classification: Uncertain significance for Developmental and epileptic encephalopathy, 34. Last evaluated: 2022-08-01. Review status: criteria provided, single submitter. Criteria: Invitae Variant Classification Sherloc (09022015). Collection method: clinical testing. Allele origin: germline.
Comment: This variant has not been reported in the literature in individuals affected with SLC12A5-related conditions. This variant is present in population databases (no rsID available, gnomAD 0.0009%). This sequence change replaces leucine, which is neutral and non-polar, with methionine, which is neutral and non-polar, at codon 750 of the SLC12A5 protein (p.Leu750Met). Advanced modeling of protein sequence and biophysical properties (such as structural, functional, and spatial information, amino acid conservation, physicochemical variation, residue mobility, and thermodynamic stability) performed at Invitae indicates that this missense variant is not expected to disrupt SLC12A5 protein function. In summary, the available evidence is currently insufficient to determine the role of this variant in disease. Therefore, it has been classified as a Variant of Uncertain Significance.

Blueprint Genetics
Classification: Uncertain significance. Last evaluated: 2019-12-16. Review status: criteria provided, single submitter. Criteria: ACMG Guidelines, 2015. Collection method: clinical testing. Allele origin: germline.

NM_020708.5(SLC12A5):c.2248T>A (p.Leu750Met)

Gene: SLC12A5 (solute carrier family 12 member 5; plus strand). Cytogenetic location: 20q13.12.
Variant type: single nucleotide variant.
Coding change: c.2248T>A on transcript NM_020708.5 (MANE Select); coding-DNA position 2248, T replaced by A.
Protein change: p.Leu750Met; replaces leucine 750 with methionine.
Molecular consequence: missense variant.
Genome position (GRCh38, 1-based): chr20:46,051,741, T>A. VCF-style: chr20-46051741-T-A. GRCh37 (hg19) VCF-style: chr20-44680380-T-A.
Other names: c.2317T>A, p.Leu773Met (NM_001134771.2); short protein forms L773M, L750M.
Identifiers: ClinVar variation 1967957 (VCV001967957.6), dbSNP rs1370797692, ClinGen allele CA409203269.